The following is an entry in ClinVar:

ClinVar aggregate classification (germline): Likely pathogenic (1 of 4 stars; one submission).

Submission:

GeneDx
Classification: Likely pathogenic. Last evaluated: 2016-07-28. Review status: criteria provided, single submitter. Criteria: GeneDx Variant Classification (06012015). Collection method: clinical testing. Allele origin: germline. Affected: yes.
Comment: The T1739N variant in the USP9X gene has not been reported previously as a pathogenic variant, nor as a benign variant, to our knowledge. The T1739N variant was not observed in approximately 6,400 individuals of European and African American ancestry in the NHLBI Exome Sequencing Project, indicating it is not a common benign variant in these populations. The T1739N variant is a conservative amino acid substitution, which occurs at a position within the USP domain that is conserved across species. In silico analysis predicts this variant is probably damaging to the protein structure/function. The T1739N variant is a strong candidate for a pathogenic variant

NM_001039591.3(USP9X):c.5216C>A (p.Thr1739Asn)

Gene: USP9X (ubiquitin specific peptidase 9 X-linked; plus strand). Cytogenetic location: Xp11.4.
Variant type: single nucleotide variant.
Coding change: c.5216C>A on transcript NM_001039591.3 (MANE Select); coding-DNA position 5216, C replaced by A.
Protein change: p.Thr1739Asn; replaces threonine 1739 with asparagine.
Molecular consequence: missense variant.
Genome position (GRCh38, 1-based): chrX:41,214,594, C>A. VCF-style: chrX-41214594-C-A. GRCh37 (hg19) VCF-style: chrX-41073847-C-A.
Other names: c.5216C>A, p.Thr1739Asn (NM_001039590.3); short protein forms T1739N.
Identifiers: ClinVar variation 421740 (VCV000421740.2), dbSNP rs1064795335, ClinGen allele CA16621374.